The following is an entry in ClinVar:

ClinVar aggregate classification (germline): Pathogenic (1 of 4 stars; one submission).

Submission:

GeneDx
Classification: Pathogenic. Last evaluated: 2021-12-31. Review status: criteria provided, single submitter. Criteria: GeneDx Variant Classification Process June 2021. Collection method: clinical testing. Allele origin: germline. Affected: yes.
Comment: Frameshift variant predicted to result in protein truncation or nonsense mediated decay in a gene for which loss-of-function is a known mechanism of disease; Not observed at significant frequency in large population cohorts (gnomAD); Has not been previously published as pathogenic or benign to our knowledge

NM_014780.5(CUL7):c.3421_3425delinsTTC (p.Arg1141fs)

Gene: CUL7 (cullin 7; minus strand). Cytogenetic location: 6p21.1.
Variant type: Indel.
Coding change: c.3421_3425delinsTTC on transcript NM_014780.5 (MANE Select); coding-DNA positions 3421 to 3425, AGAAA replaced by TTC.
Protein change: p.Arg1141fs; shifts the reading frame from arginine 1141.
Molecular consequence: frameshift variant.
Genome position (GRCh38, 1-based): chr6:43,043,111-43,043,115, TTTCT replaced by GAA on the plus strand (AGAAA replaced by TTC on the coding strand, the reverse complement: CUL7 is on the minus strand). VCF-style: chr6-43043111-TTTCT-GAA. GRCh37 (hg19) VCF-style: chr6-43010849-TTTCT-GAA.
Other names: c.3517_3521delinsTTC, p.Arg1173fs (NM_001168370.2, NM_001374872.1); c.3421_3425delinsTTC, p.Arg1141fs (NM_001374873.1); c.3418_3422delinsTTC, p.Arg1140fs (NM_001374874.1); short protein forms R1140fs, R1141fs, R1173fs.
Identifiers: ClinVar variation 1343072 (VCV001343072.2), dbSNP rs2150316275, ClinGen allele CA2573052690.